The following is an entry in ClinVar:

NM_001200.4(BMP2):c.423G>A (p.Thr141=)

Gene: BMP2 (bone morphogenetic protein 2; plus strand). Cytogenetic location: 20p12.3.
Variant type: single nucleotide variant.
Coding change: c.423G>A on transcript NM_001200.4 (MANE Select); coding-DNA position 423, G replaced by A.
Protein change: p.Thr141=; no amino-acid change (threonine 141 retained).
Molecular consequence: synonymous variant.
Genome position (GRCh38, 1-based): chr20:6,778,321, G>A. VCF-style: chr20-6778321-G-A. GRCh37 (hg19) VCF-style: chr20-6758968-G-A.
Identifiers: ClinVar variation 4981707 (VCV004981707.1).

ClinVar aggregate classification (germline): Likely benign (1 of 4 stars; one submission).

Conditions:
BMP2-related disorder. Also called: BMP2-related condition.

gnomAD v4.1: 21 of 1,614,024 alleles (0.0013%); highest among the groups gnomAD compares: South Asian, 0.0099%; no homozygotes.

Submission:

PreventionGenetics, part of Exact Sciences
Classification: Likely benign for BMP2-related condition. Last evaluated: 2025-05-28. Review status: criteria provided, single submitter. Criteria: ACMG Guidelines, 2015. Collection method: clinical testing. Allele origin: germline.
Comment: This variant is classified as likely benign based on ACMG/AMP sequence variant interpretation guidelines (Richards et al. 2015 PMID: 25741868, with internal and published modifications).